The following is an entry in ClinVar:

NM_020699.4(GATAD2B):c.1438C>T (p.Gln480Ter)

Gene: GATAD2B (GATA zinc finger domain containing 2B; minus strand). Cytogenetic location: 1q21.3.
Variant type: single nucleotide variant.
Coding change: c.1438C>T on transcript NM_020699.4 (MANE Select); coding-DNA position 1438, C replaced by T.
Protein change: p.Gln480Ter; replaces glutamine 480 with a stop codon.
Molecular consequence: nonsense.
Genome position (GRCh38, 1-based): chr1:153,812,114, G>A on the plus strand (C>T on the coding strand, the complement: GATAD2B is on the minus strand). VCF-style: chr1-153812114-G-A. GRCh37 (hg19) VCF-style: chr1-153784590-G-A.
Other names: short protein forms Q480*.
Identifiers: ClinVar variation 986838 (VCV000986838.5), dbSNP rs1674313030, ClinGen allele CA342581367.
Genomic context (GRCh38, chr1:153,812,114, plus strand): 5'-CTTGTTTACTGACACTGGACACAGCTGGAGCCGTAGTGGGGGAGAGGGCTGCCTGCTGCT[G>A]TAATCGCTGTTCAATTTCCTGTTGGGAGTCATCACATCAGGTGATTGAGCAGGACAGCAC-3'

ClinVar aggregate classification (germline): Pathogenic/Likely pathogenic. Review status: criteria provided, multiple submitters, no conflicts (2 of 4 stars). 4 submissions from 4 submitters: Pathogenic (2); Likely pathogenic (2). Last evaluated 2024-03-15.

Conditions:
Severe intellectual disability-poor language-strabismus-grimacing face-long fingers syndrome (GAND). Also called: GAND SYNDROME. Identifiers: Orphanet 363686, MedGen C3554448, MONDO:0014034, OMIM 615074.

Submissions (4):

Department of Human Genetics, Hannover Medical School
Classification: Pathogenic for Severe intellectual disability-poor language-strabismus-grimacing face-long fingers syndrome. Last evaluated: 2024-03-15. Review status: criteria provided, single submitter. Criteria: ACMG Guidelines, 2015. Collection method: clinical testing. Allele origin: germline. Affected: yes.

Genome-Nilou Lab
Classification: Likely pathogenic for Severe intellectual disability-poor language-strabismus-grimacing face-long fingers syndrome. Last evaluated: 2023-04-11. Review status: criteria provided, single submitter. Criteria: ACMG Guidelines, 2015. Collection method: clinical testing. Allele origin: germline. Affected: no.

Victorian Clinical Genetics Services, Murdoch Childrens Research Institute
Classification: Pathogenic for Severe intellectual disability-poor language-strabismus-grimacing face-long fingers syndrome. Last evaluated: 2022-02-02. Review status: criteria provided, single submitter. Criteria: ACMG Guidelines, 2015. Collection method: clinical testing. Allele origin: germline. Inheritance: Autosomal dominant inheritance. Affected: yes.
Comment: Based on the classification scheme VCGS_Germline_v1.3.4, this variant is classified as Pathogenic. Following criteria are met: 0102 - Loss of function is a known mechanism of disease in this gene and is associated with GAND syndrome (MIM#615074). (I) 0107 - This gene is associated with autosomal dominant disease. (I) 0201 - Variant is predicted to cause nonsense-mediated decay (NMD) and loss of protein (premature termination codon is located at least 54 nucleotides upstream of the final exon-exon junction). (SP) 0251 - This variant is heterozygous. (I) 0301 - Variant is absent from gnomAD (both v2 and v3). (SP) 0701 - Other NMD-predicted variants comparable to the one identified in this case have very strong previous evidence for pathogenicity (ClinVar, DECIPHER). (SP) 0802 - This variant has moderate previous evidence of pathogenicity in unrelated individuals. It has been reported de novo in at least one individual with neurodevelopmental disorder and classified as likely pathogenic by a diagnostic laboratory in ClinVar (PMID: 32688057). (SP) 0905 - No published segregation evidence has been identified for this variant. (I) 1007 - No published functional evidence has been identified for this variant. (SP) Legend: (SP) - Supporting pathogenic, (I) - Information, (SB) - Supporting benign

Institute of Medical Genetics and Applied Genomics, University Hospital Tübingen
Classification: Likely pathogenic. Last evaluated: 2020-10-23. Review status: criteria provided, single submitter. Criteria: ACMG Guidelines, 2015. Collection method: clinical testing. Allele origin: germline. Inheritance: Unknown mechanism. Affected: yes.

Literature cited by the submitters: PubMed 32688057 (cited by Victorian Clinical Genetics Services, Murdoch Childrens Research Institute).